The following is an entry in ClinVar:

ClinVar aggregate classification (germline): Uncertain significance. Review status: criteria provided, multiple submitters, no conflicts (2 of 4 stars). 2 submissions from 2 submitters: Uncertain significance (2). Last evaluated 2025-03-25.

Conditions:
Inborn genetic diseases. Identifiers: MedGen C0950123, MeSH D030342.

Submissions (2):

Ambry Genetics
Classification: Uncertain significance for Inborn genetic diseases. Last evaluated: 2025-03-25. Review status: criteria provided, single submitter. Criteria: Ambry Variant Classification Scheme 2023. Collection method: clinical testing. Allele origin: germline.
Comment: The p.L1415F variant (also known as c.4243C>T), located in coding exon 1 of the SAMD9 gene, results from a C to T substitution at nucleotide position 4243. The leucine at codon 1415 is replaced by phenylalanine, an amino acid with highly similar properties. This amino acid position is conserved. In addition, this alteration is predicted to be tolerated by in silico analysis. Based on the available evidence, the clinical significance of this variant remains unclear.

Labcorp Genetics (formerly Invitae), Labcorp
Classification: Uncertain significance. Last evaluated: 2021-11-10. Review status: criteria provided, single submitter. Criteria: Invitae Variant Classification Sherloc (09022015). Collection method: clinical testing. Allele origin: germline.
Comment: This sequence change replaces leucine, which is neutral and non-polar, with phenylalanine, which is neutral and non-polar, at codon 1415 of the SAMD9 protein (p.Leu1415Phe). This variant is not present in population databases (gnomAD no frequency). This variant has not been reported in the literature in individuals affected with SAMD9-related conditions. Algorithms developed to predict the effect of missense changes on protein structure and function are either unavailable or do not agree on the potential impact of this missense change (SIFT: "Deleterious"; PolyPhen-2: "Probably Damaging"; Align-GVGD: "Class C0"). In summary, the available evidence is currently insufficient to determine the role of this variant in disease. Therefore, it has been classified as a Variant of Uncertain Significance.

NM_017654.4(SAMD9):c.4243C>T (p.Leu1415Phe)

Gene: SAMD9 (sterile alpha motif domain containing 9; minus strand). Cytogenetic location: 7q21.2.
Variant type: single nucleotide variant.
Coding change: c.4243C>T on transcript NM_017654.4 (MANE Select); coding-DNA position 4243, C replaced by T.
Protein change: p.Leu1415Phe; replaces leucine 1415 with phenylalanine.
Molecular consequence: missense variant.
Genome position (GRCh38, 1-based): chr7:93,101,855, G>A on the plus strand (C>T on the coding strand, the complement: SAMD9 is on the minus strand). VCF-style: chr7-93101855-G-A. GRCh37 (hg19) VCF-style: chr7-92731168-G-A.
Other names: c.4243C>T, p.Leu1415Phe (NM_001193307.2); c.4243C>T (NM_017654.3); short protein forms L1415F.
Identifiers: ClinVar variation 1482120 (VCV001482120.7), dbSNP rs1205307873, ClinGen allele CA368180052.